The following is an entry in ClinVar:

ClinVar aggregate classification (germline): Uncertain significance. Review status: criteria provided, multiple submitters, no conflicts (2 of 4 stars). 3 submissions from 3 submitters: Uncertain significance (3). Last evaluated 2025-05-29.

Conditions:
Spastic paraplegia. Identifiers: MedGen C0037772, HP:0001258.

Allele frequency attached by ClinVar (database versions not stated): gnomAD exomes below 0.00001; TOPMed 0.00001.
gnomAD v4.1: 7 of 1,613,914 alleles (0.00043%); highest among the groups gnomAD compares: Middle Eastern, 0.033%; no homozygotes.

Submissions (3):

Women's Health and Genetics/Laboratory Corporation of America, LabCorp
Classification: Uncertain significance. Last evaluated: 2025-05-29. Review status: criteria provided, single submitter. Criteria: LabCorp Variant Classification Summary - May 2015. Collection method: clinical testing. Allele origin: germline.
Comment: Variant summary: KIF5A c.1816C>T (p.Arg606Trp) results in a non-conservative amino acid change in the encoded protein sequence. Algorithms developed to predict the effect of missense changes on protein structure and function all suggest that this variant is likely to be disruptive. The variant was absent in 250512 control chromosomes. The available data on variant occurrences in the general population are insufficient to allow any conclusion about variant significance. c.1816C>T has been observed in at least one individual affected with Hereditary Spastic Paraglegia (e.g. Cui_2020). These data do not allow any conclusion about variant significance. To our knowledge, no experimental evidence demonstrating an impact on protein function has been reported. The following publication has been ascertained in the context of this evaluation (PMID: 32501971). ClinVar contains an entry for this variant (Variation ID: 2979962). Based on the evidence outlined above, the variant was classified as uncertain significance.

Labcorp Genetics (formerly Invitae), Labcorp
Classification: Uncertain significance for Spastic paraplegia. Last evaluated: 2025-01-26. Review status: criteria provided, single submitter. Criteria: Invitae Variant Classification Sherloc (09022015). Collection method: clinical testing. Allele origin: germline.
Comment: This sequence change replaces arginine, which is basic and polar, with tryptophan, which is neutral and slightly polar, at codon 606 of the KIF5A protein (p.Arg606Trp). This variant is not present in population databases (gnomAD no frequency). This missense change has been observed in individual(s) with hereditary spastic paraplegia (PMID: 32501971). ClinVar contains an entry for this variant (Variation ID: 2979962). Invitae Evidence Modeling of protein sequence and biophysical properties (such as structural, functional, and spatial information, amino acid conservation, physicochemical variation, residue mobility, and thermodynamic stability) has been performed for this missense variant. However, the output from this modeling did not meet the statistical confidence thresholds required to predict the impact of this variant on KIF5A protein function. In summary, the available evidence is currently insufficient to determine the role of this variant in disease. Therefore, it has been classified as a Variant of Uncertain Significance.

GeneDx
Classification: Uncertain significance. Last evaluated: 2024-02-12. Review status: criteria provided, single submitter. Criteria: GeneDx Variant Classification Process June 2021. Collection method: clinical testing. Allele origin: germline. Affected: yes.
Comment: In silico analysis supports that this missense variant has a deleterious effect on protein structure/function; Not observed at significant frequency in large population cohorts (gnomAD); This variant is associated with the following publications: (PMID: 32501971)

Literature cited by the submitters: PubMed 32501971 (cited by Women's Health and Genetics/Laboratory Corporation of America, LabCorp and Labcorp Genetics (formerly Invitae), Labcorp).

NM_004984.4(KIF5A):c.1816C>T (p.Arg606Trp)

Gene: KIF5A (kinesin family member 5A; plus strand). Cytogenetic location: 12q13.3.
Variant type: single nucleotide variant.
Coding change: c.1816C>T on transcript NM_004984.4 (MANE Select); coding-DNA position 1816, C replaced by T.
Protein change: p.Arg606Trp; replaces arginine 606 with tryptophan.
Molecular consequence: missense variant.
Genome position (GRCh38, 1-based): chr12:57,575,183, C>T. VCF-style: chr12-57575183-C-T. GRCh37 (hg19) VCF-style: chr12-57968966-C-T.
Other names: c.1816C>T (NM_004984.2); c.1549C>T, p.Arg517Trp (NM_001354705.2); short protein forms R517W, R606W.
Identifiers: ClinVar variation 2979962 (VCV002979962.5), dbSNP rs1348214633, ClinGen allele CA385509079.